The following is an entry in ClinVar:

NM_006005.3(WFS1):c.1080C>T (p.Cys360=)

Gene: WFS1 (wolframin ER transmembrane glycoprotein; plus strand). Cytogenetic location: 4p16.1.
Variant type: single nucleotide variant.
Coding change: c.1080C>T on transcript NM_006005.3 (MANE Select); coding-DNA position 1080, C replaced by T.
Protein change: p.Cys360=; no amino-acid change (cysteine 360 retained).
Molecular consequence: synonymous variant.
Genome position (GRCh38, 1-based): chr4:6,300,875, C>T. VCF-style: chr4-6300875-C-T. GRCh37 (hg19) VCF-style: chr4-6302602-C-T.
Other names: c.1080C>T, p.Cys360= (NM_001145853.1).
Identifiers: ClinVar variation 738580 (VCV000738580.7), dbSNP rs771284690, ClinGen allele CA2839212.

ClinVar aggregate classification (germline): Benign/Likely benign. Review status: criteria provided, multiple submitters, no conflicts (2 of 4 stars). 2 submissions from 2 submitters: Benign (1); Likely benign (1). Last evaluated 2025-03-11.

Conditions:
Wolfram syndrome 1 (WFS1). Identifiers: Orphanet 3463, MedGen C4551693, MONDO:0009101, OMIM 222300.

Allele frequency attached by ClinVar (database versions not stated): gnomAD exomes 0.00001 and 0.00004; TOPMed 0.00001; ExAC 0.00002.
gnomAD v4.1: 14 of 1,614,142 alleles (0.00087%); highest among the groups gnomAD compares: Middle Eastern, 0.016%; no homozygotes.

Submissions (2):

Labcorp Genetics (formerly Invitae), Labcorp
Classification: Likely benign. Last evaluated: 2025-03-11. Review status: criteria provided, single submitter. Criteria: Invitae Variant Classification Sherloc (09022015). Collection method: clinical testing. Allele origin: germline.

Clinical Genomics, Uppaluri K&H Personalized Medicine Clinic
Classification: Benign for Wolfram syndrome 1. Review status: criteria provided, single submitter. Criteria: K & H Uppaluri Personalized Medicine Clinic Variant Classification & Assertion Criteria_Updated V.1. Collection method: research. Allele origin: unknown. Inheritance: Autosomal recessive inheritance.
Comment: Potent mutations in WFS1 gene are associated with Wolfram's syndrome, an autosomal recessive condition, which cause diabetes mellitus, diabetes insipidus, deafness and optic atrophy.However no sufficient evidence is found to ascertain the role of this particular variant rs771284690 in Wolfram's syndrome yet.

Literature cited by the submitters: PubMed 20738327 (cited by Clinical Genomics, Uppaluri K&H Personalized Medicine Clinic); PubMed 33879153 (cited by Clinical Genomics, Uppaluri K&H Personalized Medicine Clinic); PubMed 12955714 (cited by Clinical Genomics, Uppaluri K&H Personalized Medicine Clinic); PubMed 18060660 (cited by Clinical Genomics, Uppaluri K&H Personalized Medicine Clinic); PubMed 20301750 (cited by Clinical Genomics, Uppaluri K&H Personalized Medicine Clinic); PubMed 17603484 (cited by Clinical Genomics, Uppaluri K&H Personalized Medicine Clinic).